The following is an entry in ClinVar:

NM_014363.6(SACS):c.892_895delinsAC (p.Ser298fs)

Gene: SACS (sacsin molecular chaperone; minus strand). Cytogenetic location: 13q12.12.
Variant type: Indel.
Coding change: c.892_895delinsAC on transcript NM_014363.6 (MANE Select); coding-DNA positions 892 to 895, TCTT replaced by AC.
Protein change: p.Ser298fs; shifts the reading frame from serine 298.
Molecular consequence: frameshift variant.
Genome position (GRCh38, 1-based): chr13:23,355,717-23,355,720, AAGA replaced by GT on the plus strand (TCTT replaced by AC on the coding strand, the reverse complement: SACS is on the minus strand). VCF-style: chr13-23355717-AAGA-GT. GRCh37 (hg19) VCF-style: chr13-23929856-AAGA-GT.
Other names: c.451_454delinsAC, p.Ser151fs (NM_001278055.2); short protein forms S151fs, S298fs.
Identifiers: ClinVar variation 1725643 (VCV001725643.2), dbSNP rs2542401843, ClinGen allele CA2580086870.

ClinVar aggregate classification (germline): Likely pathogenic (1 of 4 stars; one submission).

Conditions:
Charlevoix-Saguenay spastic ataxia (SACS). Also called: SPASTIC ATAXIA 6, AUTOSOMAL RECESSIVE; AUTOSOMAL RECESSIVE SPASTIC ATAXIA OF CHARLEVOIX-SAGUENAY; Spastic ataxia of Charlevoix-Saguenay. Identifiers: Orphanet 98, MedGen C1849140, MONDO:0010041, OMIM 270550.

Submission:

Myriad Genetics, Inc.
Classification: Likely pathogenic for Charlevoix-Saguenay spastic ataxia. Last evaluated: 2022-03-30. Review status: criteria provided, single submitter. Criteria: Myriad Women's Health Autosomal Recessive and X-Linked Classification Criteria (2021). Collection method: clinical testing. Allele origin: unknown.
Comment: NM_014363.4(SACS):c.892_895delTCTTinsAC(S298Tfs*2) is expected to be pathogenic in the context of autosomal recessive spastic ataxia of Charlevoix-Saguenay. This variant is predicted to lead to an abnormal or absent protein product due to the creation of a premature termination codon in SACS, a gene where loss-of-function variants are known to be pathogenic. Please note: this variant was assessed in the context of healthy population screening.